The following is an entry in ClinVar:

NM_001378452.1(ITPR1):c.2891A>G (p.Asn964Ser)

Gene: ITPR1 (inositol 1,4,5-trisphosphate receptor type 1; plus strand). Cytogenetic location: 3p26.1.
Variant type: single nucleotide variant.
Coding change: c.2891A>G on transcript NM_001378452.1 (MANE Select); coding-DNA position 2891, A replaced by G.
Protein change: p.Asn964Ser; replaces asparagine 964 with serine.
Molecular consequence: missense variant.
Genome position (GRCh38, 1-based): chr3:4,676,725, A>G. VCF-style: chr3-4676725-A-G. GRCh37 (hg19) VCF-style: chr3-4718409-A-G.
Other names: c.2864A>G, p.Asn955Ser (NM_001099952.4); c.2846A>G, p.Asn949Ser (NM_001168272.2); c.2819A>G, p.Asn940Ser (NM_002222.7); short protein forms N940S, N964S, N955S, N949S.
Identifiers: ClinVar variation 2174113 (VCV002174113.4), dbSNP rs563276826, ClinGen allele CA2231545.

ClinVar aggregate classification (germline): Uncertain significance (1 of 4 stars; one submission).

Allele frequency attached by ClinVar (database versions not stated): TOPMed below 0.00001; gnomAD 0.00001; gnomAD exomes 0.00001; ExAC 0.00003; 1000 Genomes Project 30x 0.00016; 1000 Genomes Project 0.00020.
gnomAD v4.1: 7 of 1,613,780 alleles (0.00043%); highest among the groups gnomAD compares: Admixed American, 0.01%; no homozygotes.

Submission:

Labcorp Genetics (formerly Invitae), Labcorp
Classification: Uncertain significance. Last evaluated: 2022-08-19. Review status: criteria provided, single submitter. Criteria: Invitae Variant Classification Sherloc (09022015). Collection method: clinical testing. Allele origin: germline.
Comment: In summary, the available evidence is currently insufficient to determine the role of this variant in disease. Therefore, it has been classified as a Variant of Uncertain Significance. Algorithms developed to predict the effect of missense changes on protein structure and function (SIFT, PolyPhen-2, Align-GVGD) all suggest that this variant is likely to be tolerated. This variant has not been reported in the literature in individuals affected with ITPR1-related conditions. This variant is present in population databases (rs563276826, gnomAD 0.009%). This sequence change replaces asparagine, which is neutral and polar, with serine, which is neutral and polar, at codon 940 of the ITPR1 protein (p.Asn940Ser).